The following is an entry in ClinVar:

NM_005912.3(MC4R):c.757G>A (p.Val253Ile)

Gene: MC4R (melanocortin 4 receptor; minus strand). Cytogenetic location: 18q21.32.
Variant type: single nucleotide variant.
Coding change: c.757G>A on transcript NM_005912.3 (MANE Select); coding-DNA position 757, G replaced by A.
Protein change: p.Val253Ile; replaces valine 253 with isoleucine.
Molecular consequence: missense variant.
Genome position (GRCh38, 1-based): chr18:60,371,593, C>T on the plus strand (G>A on the coding strand, the complement: MC4R is on the minus strand). VCF-style: chr18-60371593-C-T. GRCh37 (hg19) VCF-style: chr18-58038826-C-T.
Other names: short protein forms V253I.
Identifiers: ClinVar variation 492862 (VCV000492862.14), dbSNP rs187152753, ClinGen allele CA8980842.

ClinVar aggregate classification (germline): Uncertain significance. Review status: criteria provided, multiple submitters, no conflicts (2 of 4 stars). 7 submissions from 7 submitters: Uncertain significance (6). 1 of the submissions does not count toward it. Last evaluated 2026-07-06.

Conditions:
Obesity. Also called: Obesity disorder. Identifiers: Orphanet 71529, MedGen C0028754, MeSH D009765, MONDO:0011122, HP:0001513.
MC4R-related disorder. Also called: MC4R-related condition.
Early onset severe obesity. Identifiers: MedGen C4013980.

Allele frequency attached by ClinVar (database versions not stated): ExAC 0.00006; gnomAD exomes 0.00006 and 0.00011; gnomAD 0.00014; ESP Exome Variant Server 0.00015; TOPMed 0.00017; 1000 Genomes Project 0.00060; 1000 Genomes Project 30x 0.00094.
gnomAD v4.1: 180 of 1,614,202 alleles (0.011%); highest among the groups gnomAD compares: Admixed American, 0.035%; no homozygotes.

Submissions (7):

PreventionGenetics, part of Exact Sciences
Classification: Uncertain significance for MC4R-related condition. Last evaluated: 2026-07-06. Review status: criteria provided, single submitter. Criteria: ACMG Guidelines, 2015. Collection method: clinical testing. Allele origin: germline.
Comment: The MC4R c.757G>A variant is predicted to result in the amino acid substitution p.Val253Ile. This variant has been reported in individuals with obesity (see, for example, Farooqi et al. 2000. PubMed ID: 10903343; Stutzmann et al. 2008. PubMed ID: 18559663; Patient 26, Kleinendorst et al. 2018. PubMed ID: 29970488; Rondon et al. 2024. PubMed ID: 38567654). However, functional studies suggest that this variant does not significantly impair receptor expression or activation (Lubrano-Berthelier et al. 2003. PubMed ID: 12499395; Nijenhuis et al. 2003. PubMed ID: 12690102; Xiang et al. 2006. PubMed ID: 16752916). This variant is reported in 0.011% of alleles in individuals of Latino descent in gnomAD. At this time, the clinical significance of this variant is uncertain due to the absence of conclusive functional and genetic evidence.

Labcorp Genetics (formerly Invitae), Labcorp
Classification: Uncertain significance. Last evaluated: 2025-03-10. Review status: criteria provided, single submitter. Criteria: Invitae Variant Classification Sherloc (09022015). Collection method: clinical testing. Allele origin: germline.
Comment: This sequence change replaces valine, which is neutral and non-polar, with isoleucine, which is neutral and non-polar, at codon 253 of the MC4R protein (p.Val253Ile). This variant is present in population databases (rs187152753, gnomAD 0.02%). This missense change has been observed in individual(s) with obesity (PMID: 10903343, 29970488, 30811542). ClinVar contains an entry for this variant (Variation ID: 492862). Invitae Evidence Modeling of protein sequence and biophysical properties (such as structural, functional, and spatial information, amino acid conservation, physicochemical variation, residue mobility, and thermodynamic stability) indicates that this missense variant is not expected to disrupt MC4R protein function with a negative predictive value of 80%. Experimental studies are conflicting or provide insufficient evidence to determine the effect of this variant on MC4R function (PMID: 12499395, 12588803, 12646665, 12690102, 16752916, 18559663, 31002796). In summary, the available evidence is currently insufficient to determine the role of this variant in disease. Therefore, it has been classified as a Variant of Uncertain Significance.

Cambridge Genomics Laboratory, East Genomic Laboratory Hub, NHS Genomic Medicine Service
Classification: Uncertain significance for Severe early-onset obesity. Last evaluated: 2025-02-21. Review status: criteria provided, single submitter. Criteria: ACGS Best Practice Guidelines for Variant Classification in Rare Disease 2020. Collection method: clinical testing. Allele origin: germline. Affected: yes.
Comment: PS3_Supporting,PS4_Supporting,PM2_Supporting

GeneDx
Classification: Uncertain significance. Last evaluated: 2024-12-03. Review status: criteria provided, single submitter. Criteria: GeneDx Variant Classification Process June 2021. Collection method: clinical testing. Allele origin: germline. Affected: yes.
Comment: Reported in the published literature in association with obesity (PMID: 38567654, 10903343, 29970488, 30811542); In silico analysis indicates that this missense variant does not alter protein structure/function; This variant is associated with the following publications: (PMID: 12690102, 16083993, 12499395, 12588803, 18559663, 17628007, 16752916, 10903343, 29970488, 31589614, 34045736, 30811542, 31002796, 38567654, 38361111)

Broad Center for Mendelian Genomics, Broad Institute of MIT and Harvard
Classification: Uncertain significance for Obesity. Last evaluated: 2020-01-29. Review status: criteria provided, single submitter. Criteria: ACMG Guidelines, 2015. Collection method: curation. Allele origin: germline. Inheritance: Autosomal dominant inheritance.
Comment: This variant did not cosegregate with Obesity in a parent and child with disease (PMID: 17286227). Although this variant has been seen in the general population, its frequency is not high enough to rule out a pathogenic role. Please note that for diseases with clinical variability, or reduced penetrance, pathogenic variants may be present at a low frequency in the general population. This variant has also been reported pathogenic in ClinVar (Variation ID: 492862). In vitro functional studies provide some evidence that the p.Val253Ile variant may slightly impact the response to receptor activation, cAMP generation (PMID: 12588803, 12646665), but may not impact ligand binding or cell surface expression (PMID: 12499395, 16752916, 24705671). However, these types of assays may not accurately represent biological function. Computational prediction tools and conservation analyses do not provide strong support for or against an impact to the protein. In summary, while there is some suspicion for a pathogenic role, the clinical significance of this variant is uncertain. ACMG/AMP Criteria applied: PS4_Moderate, PM2_Supporting, PS3_Supporting (Richards 2015).

Genetic Services Laboratory, University of Chicago
Classification: Uncertain significance. Last evaluated: 2019-12-03. Review status: criteria provided, single submitter. Criteria: ACMG Guidelines, 2015. Collection method: clinical testing. Allele origin: germline. Affected: no.

Clinical Molecular Genetics Laboratory, Johns Hopkins All Children's Hospital
Classification: Pathogenic for Obesity. Last evaluated: 2014-03-04. Review status: no assertion criteria provided. Collection method: clinical testing. Allele origin: germline. Affected: yes. Not counted in ClinVar's aggregate classification.

Literature cited by the submitters: PubMed 10903343 (cited by Labcorp Genetics (formerly Invitae), Labcorp and Broad Center for Mendelian Genomics, Broad Institute of MIT and Harvard); PubMed 29970488 (cited by Labcorp Genetics (formerly Invitae), Labcorp); PubMed 30811542 (cited by Labcorp Genetics (formerly Invitae), Labcorp); PubMed 12499395 (cited by Labcorp Genetics (formerly Invitae), Labcorp and Broad Center for Mendelian Genomics, Broad Institute of MIT and Harvard); PubMed 12588803 (cited by Labcorp Genetics (formerly Invitae), Labcorp and Broad Center for Mendelian Genomics, Broad Institute of MIT and Harvard); PubMed 12646665 (cited by Labcorp Genetics (formerly Invitae), Labcorp and Broad Center for Mendelian Genomics, Broad Institute of MIT and Harvard); PubMed 12690102 (cited by Labcorp Genetics (formerly Invitae), Labcorp); PubMed 16752916 (cited by Labcorp Genetics (formerly Invitae), Labcorp and Broad Center for Mendelian Genomics, Broad Institute of MIT and Harvard); PubMed 18559663 (cited by Labcorp Genetics (formerly Invitae), Labcorp and Broad Center for Mendelian Genomics, Broad Institute of MIT and Harvard); PubMed 31002796 (cited by Labcorp Genetics (formerly Invitae), Labcorp); PubMed 24705671 (cited by Broad Center for Mendelian Genomics, Broad Institute of MIT and Harvard); PubMed 17286227 (cited by Broad Center for Mendelian Genomics, Broad Institute of MIT and Harvard); PubMed 16492696 (cited by Broad Center for Mendelian Genomics, Broad Institute of MIT and Harvard); PubMed 12629567 (cited by Broad Center for Mendelian Genomics, Broad Institute of MIT and Harvard).